The following is an entry in ClinVar:

ClinVar aggregate classification (germline): Uncertain significance (1 of 4 stars; one submission).

Conditions:
Hereditary cancer-predisposing syndrome. Also called: Tumor predisposition; Hereditary Cancer Syndrome; Hereditary neoplastic syndrome; Neoplastic Syndromes, Hereditary. Identifiers: Orphanet 140162, MedGen C0027672, MeSH D009386, MONDO:0015356.

Submission:

Ambry Genetics
Classification: Uncertain significance for Hereditary cancer-predisposing syndrome. Last evaluated: 2023-09-06. Review status: criteria provided, single submitter. Criteria: Ambry Variant Classification Scheme 2023. Collection method: clinical testing. Allele origin: germline.
Comment: The p.K310T variant (also known as c.929A>C), located in coding exon 6 of the MEN1 gene, results from an A to C substitution at nucleotide position 929. The lysine at codon 310 is replaced by threonine, an amino acid with similar properties. This amino acid position is conserved. In addition, the in silico prediction for this alteration is inconclusive. Since supporting evidence is limited at this time, the clinical significance of this alteration remains unclear.

NM_001370259.2(MEN1):c.929A>C (p.Lys310Thr)

Gene: MEN1 (menin 1; minus strand). Cytogenetic location: 11q13.1.
Variant type: single nucleotide variant.
Coding change: c.929A>C on transcript NM_001370259.2 (MANE Select); coding-DNA position 929, A replaced by C.
Protein change: p.Lys310Thr; replaces lysine 310 with threonine.
Molecular consequence: missense variant. On other transcripts: non-coding transcript variant (4).
Genome position (GRCh38, 1-based): chr11:64,806,352, T>G on the plus strand (A>C on the coding strand, the complement: MEN1 is on the minus strand). VCF-style: chr11-64806352-T-G. GRCh37 (hg19) VCF-style: chr11-64573824-T-G.
Other names: c.944A>C, p.Lys315Thr (NM_000244.4, NM_001407145.1, NM_001407150.1 and 5 more transcripts); c.929A>C, p.Lys310Thr (NM_001370251.2, NM_001370260.2, NM_001370261.2 and 7 more transcripts); c.824A>C, p.Lys275Thr (NM_001370262.2, NM_001370263.2, NM_001407148.1 and 2 more transcripts); short protein forms K310T, K275T, K315T.
Identifiers: ClinVar variation 2626601 (VCV002626601.2), dbSNP rs2497176596, ClinGen allele CA381183429.